The following is an entry in ClinVar:

NM_000535.7(PMS2):c.2239A>G (p.Arg747Gly)

Gene: PMS2 (PMS1 homolog 2, mismatch repair system component; minus strand). Cytogenetic location: 7p22.1.
Variant type: single nucleotide variant.
Coding change: c.2239A>G on transcript NM_000535.7 (MANE Select); coding-DNA position 2239, A replaced by G.
Protein change: p.Arg747Gly; replaces arginine 747 with glycine.
Molecular consequence: missense variant. On other transcripts: non-coding transcript variant (1), intron variant (2).
Genome position (GRCh38, 1-based): chr7:5,978,632, T>C on the plus strand (A>G on the coding strand, the complement: PMS2 is on the minus strand). VCF-style: chr7-5978632-T-C. GRCh37 (hg19) VCF-style: chr7-6018263-T-C.
Other names: c.1834A>G, p.Arg612Gly (NM_001322003.2, NM_001322004.2, NM_001322005.2 and 14 more transcripts); c.2083A>G, p.Arg695Gly (NM_001322006.2, NM_001406870.1); c.1921A>G, p.Arg641Gly (NM_001322007.2, NM_001322008.2, NM_001406876.1 and 1 more transcripts); c.1678A>G, p.Arg560Gly (NM_001322010.2, NM_001406906.1, NM_001406907.1); c.1306A>G, p.Arg436Gly (NM_001322011.2, NM_001322012.2); c.1666A>G, p.Arg556Gly (NM_001322013.2, NM_001406908.1, NM_001406909.1); c.2239A>G, p.Arg747Gly (NM_001322014.2); c.1930A>G, p.Arg644Gly (NM_001322015.2, NM_001406875.1, NM_001406877.1 and 5 more transcripts); and 16 more; short protein forms R556G, R585G, R612G, R695G, R711G, R809G, R436G, R560G.
Identifiers: ClinVar variation 3308074 (VCV003308074.4).

ClinVar aggregate classification (germline): Uncertain significance. Review status: criteria provided, multiple submitters, no conflicts (2 of 4 stars). 3 submissions from 3 submitters: Uncertain significance (3). Last evaluated 2025-07-23.

Conditions:
Hereditary nonpolyposis colorectal neoplasms. Identifiers: MedGen C0009405, MeSH D003123.
Hereditary cancer-predisposing syndrome. Also called: Tumor predisposition; Hereditary Cancer Syndrome; Hereditary neoplastic syndrome; Neoplastic Syndromes, Hereditary. Identifiers: Orphanet 140162, MedGen C0027672, MeSH D009386, MONDO:0015356.

Submissions (3):

Color Diagnostics, LLC DBA Color Health
Classification: Uncertain significance for Hereditary cancer-predisposing syndrome. Last evaluated: 2025-07-23. Review status: criteria provided, single submitter. Criteria: ACMG Guidelines, 2015. Collection method: clinical testing. Allele origin: germline.
Comment: This missense variant replaces arginine with glycine at codon 747 of the PMS2 protein. Computational prediction is inconclusive regarding the impact of this variant on protein structure and function. To our knowledge, functional studies have not been reported for this variant. This variant has not been reported in individuals affected with PMS2-related disorders in the literature. This variant has not been identified in the general population by the Genome Aggregation Database (gnomAD). The available evidence is insufficient to determine the role of this variant in disease conclusively. Therefore, this variant is classified as a Variant of Uncertain Significance.

Ambry Genetics
Classification: Uncertain significance for Hereditary cancer-predisposing syndrome. Last evaluated: 2024-06-24. Review status: criteria provided, single submitter. Criteria: Ambry Variant Classification Scheme 2023. Collection method: clinical testing. Allele origin: germline.
Comment: The p.R747G variant (also known as c.2239A>G), located in coding exon 13 of the PMS2 gene, results from an A to G substitution at nucleotide position 2239. The arginine at codon 747 is replaced by glycine, an amino acid with dissimilar properties. This amino acid position is well conserved in available vertebrate species. In addition, this alteration is predicted to be deleterious by in silico analysis. Based on the available evidence, the clinical significance of this variant remains unclear.

Labcorp Genetics (formerly Invitae), Labcorp
Classification: Uncertain significance for Hereditary nonpolyposis colorectal neoplasms. Last evaluated: 2024-05-23. Review status: criteria provided, single submitter. Criteria: Invitae Variant Classification Sherloc (09022015). Collection method: clinical testing. Allele origin: germline.
Comment: This sequence change replaces arginine, which is basic and polar, with glycine, which is neutral and non-polar, at codon 747 of the PMS2 protein (p.Arg747Gly). The frequency data for this variant in the population databases (gnomAD) is considered unreliable due to the presence of homologous sequence, such as pseudogenes or paralogs, in the genome. This variant has not been reported in the literature in individuals affected with PMS2-related conditions. Advanced modeling of protein sequence and biophysical properties (such as structural, functional, and spatial information, amino acid conservation, physicochemical variation, residue mobility, and thermodynamic stability) performed at Invitae indicates that this missense variant is expected to disrupt PMS2 protein function with a positive predictive value of 80%. In summary, the available evidence is currently insufficient to determine the role of this variant in disease. Therefore, it has been classified as a Variant of Uncertain Significance.